The following is an entry in ClinVar:

ClinVar aggregate classification (germline): Uncertain significance (1 of 4 stars; one submission).

Conditions:
Oto-palato-digital syndrome, type II (OPD2). Also called: Otopalatodigital Syndrome Type 2 (FLNA-OPD2); Otopalatodigital Syndrome, Type II; FACIOPALATOOSSEOUS SYNDROME; OPD II SYNDROME. Identifiers: Orphanet 669, Orphanet 90652, MedGen C1844696, MONDO:0010571, OMIM 304120.
Frontometaphyseal dysplasia (FMD1). Identifiers: Orphanet 1826, MedGen C0265293, MONDO:0015942.
Melnick-Needles syndrome (MNS). Also called: Melnick-Needles Syndrome (FLNA-MNS); MELNICK-NEEDLES OSTEODYSPLASTY; OSTEODYSPLASTY OF MELNICK AND NEEDLES. Identifiers: Orphanet 2484, MedGen C0025237, MONDO:0010650, OMIM 309350.
Heterotopia, periventricular, X-linked dominant (PVNH1). Also called: PERIVENTRICULAR NODULAR HETEROTOPIA 4; HETEROTOPIA, PERIVENTRICULAR, 1; X-linked periventricular heterotopia; PERIVENTRICULAR NODULAR HETEROTOPIA 1. Identifiers: Orphanet 2149, Orphanet 82004, MedGen C1848213, MONDO:0010233, OMIM 300049.

Submission:

Labcorp Genetics (formerly Invitae), Labcorp
Classification: Uncertain significance for Oto-palato-digital syndrome, type II; Heterotopia, periventricular, X-linked dominant; Frontometaphyseal dysplasia; Melnick-Needles syndrome. Last evaluated: 2022-02-21. Review status: criteria provided, single submitter. Criteria: Invitae Variant Classification Sherloc (09022015). Collection method: clinical testing. Allele origin: germline.
Comment: This variant is not present in population databases (gnomAD no frequency). In summary, the available evidence is currently insufficient to determine the role of this variant in disease. Therefore, it has been classified as a Variant of Uncertain Significance. Advanced modeling of protein sequence and biophysical properties (such as structural, functional, and spatial information, amino acid conservation, physicochemical variation, residue mobility, and thermodynamic stability) performed at Invitae indicates that this missense variant is expected to disrupt FLNA protein function. This variant has not been reported in the literature in individuals affected with FLNA-related conditions. This sequence change replaces alanine, which is neutral and non-polar, with proline, which is neutral and non-polar, at codon 1398 of the FLNA protein (p.Ala1398Pro).

NM_001110556.2(FLNA):c.4192G>C (p.Ala1398Pro)

Gene: FLNA (filamin A; minus strand). Cytogenetic location: Xq28.
Variant type: single nucleotide variant.
Coding change: c.4192G>C on transcript NM_001110556.2 (MANE Select); coding-DNA position 4192, G replaced by C.
Protein change: p.Ala1398Pro; replaces alanine 1398 with proline.
Molecular consequence: missense variant.
Genome position (GRCh38, 1-based): chrX:154,359,357, C>G on the plus strand (G>C on the coding strand, the complement: FLNA is on the minus strand). VCF-style: chrX-154359357-C-G. GRCh37 (hg19) VCF-style: chrX-153587725-C-G.
Other names: c.4192G>C, p.Ala1398Pro (NM_001456.4); short protein forms A1398P.
Identifiers: ClinVar variation 2165220 (VCV002165220.4), dbSNP rs782087497, ClinGen allele CA415218621.